The following is an entry in ClinVar:

NM_013275.6(ANKRD11):c.1769A>C (p.Lys590Thr)

Gene: ANKRD11 (ankyrin repeat domain containing 11; minus strand). Cytogenetic location: 16q24.3.
Variant type: single nucleotide variant.
Coding change: c.1769A>C on transcript NM_013275.6 (MANE Select); coding-DNA position 1769, A replaced by C.
Protein change: p.Lys590Thr; replaces lysine 590 with threonine.
Molecular consequence: missense variant.
Genome position (GRCh38, 1-based): chr16:89,284,773, T>G on the plus strand (A>C on the coding strand, the complement: ANKRD11 is on the minus strand). VCF-style: chr16-89284773-T-G. GRCh37 (hg19) VCF-style: chr16-89351181-T-G.
Other names: c.1769A>C, p.Lys590Thr (NM_001256182.2, NM_001256183.2); short protein forms K590T.
Identifiers: ClinVar variation 3375974 (VCV003375974.1).
Genomic context (GRCh38, chr16:89,284,773, plus strand): 5'-GGGCTCTTCTTCTCCGACAGGGAGGCTCGCTTCCTGTGCTCCTGCCTCTTCCTCACTGGC[T>G]TCAGCGATTCCACACTGGAGCCCTCAGAGGAGTAGTCAGACTCGCTTGTCAGTCTCGTCC-3'
Protein context (NP_037407.4, residues 580-600): SSEGSSVESL[Lys590Thr]PVRKRQEHRK

ClinVar aggregate classification (germline): Uncertain significance (1 of 4 stars; one submission).

Submission:

GeneDx
Classification: Uncertain significance. Last evaluated: 2024-05-03. Review status: criteria provided, single submitter. Criteria: GeneDx Variant Classification Process June 2021. Collection method: clinical testing. Allele origin: germline. Affected: yes.
Comment: Not observed at significant frequency in large population cohorts (gnomAD); In silico analysis supports that this missense variant has a deleterious effect on protein structure/function; Has not been previously published as pathogenic or benign to our knowledge